The following is an entry in ClinVar:

ClinVar aggregate classification (germline): Uncertain significance (1 of 4 stars; one submission).

Submission:

Labcorp Genetics (formerly Invitae), Labcorp
Classification: Uncertain significance. Last evaluated: 2022-03-11. Review status: criteria provided, single submitter. Criteria: Invitae Variant Classification Sherloc (09022015). Collection method: clinical testing. Allele origin: germline.
Comment: This sequence change replaces glutamic acid, which is acidic and polar, with aspartic acid, which is acidic and polar, at codon 252 of the DEF6 protein (p.Glu252Asp). This variant is not present in population databases (gnomAD no frequency). This variant has not been reported in the literature in individuals affected with DEF6-related conditions. Algorithms developed to predict the effect of missense changes on protein structure and function output the following: SIFT: "Tolerated"; PolyPhen-2: "Benign"; Align-GVGD: "Class C0". The aspartic acid amino acid residue is found in multiple mammalian species, which suggests that this missense change does not adversely affect protein function. In summary, the available evidence is currently insufficient to determine the role of this variant in disease. Therefore, it has been classified as a Variant of Uncertain Significance.

NM_022047.4(DEF6):c.756G>T (p.Glu252Asp)

Gene: DEF6 (DEF6 guanine nucleotide exchange factor; plus strand). Cytogenetic location: 6p21.31.
Variant type: single nucleotide variant.
Coding change: c.756G>T on transcript NM_022047.4 (MANE Select); coding-DNA position 756, G replaced by T.
Protein change: p.Glu252Asp; replaces glutamic acid 252 with aspartic acid.
Molecular consequence: missense variant.
Genome position (GRCh38, 1-based): chr6:35,312,721, G>T. VCF-style: chr6-35312721-G-T. GRCh37 (hg19) VCF-style: chr6-35280498-G-T.
Other names: short protein forms E252D.
Identifiers: ClinVar variation 1481292 (VCV001481292.5), dbSNP rs1791483983, ClinGen allele CA363764169.
Genomic context (GRCh38, chr6:35,312,721, plus strand): 5'-CTGGGCCGAACGCTGGTTCCAGCTGCAGCCCAGCTGCCTCTGCTACTTTGGGAGTGAAGA[G>T]TGCAAAGAGAAAAGGGGCATTATCCCGCTGGATGCACACTGCTGCGTGGAGGTGAGGGGC-3'
Protein context (NP_071330.3, residues 242-262): PSCLCYFGSE[Glu252Asp]CKEKRGIIPL